The following is an entry in ClinVar:

NM_004408.4(DNM1):c.1199C>T (p.Thr400Met)

Gene: DNM1 (dynamin 1; plus strand). Cytogenetic location: 9q34.11.
Variant type: single nucleotide variant.
Coding change: c.1199C>T on transcript NM_004408.4 (MANE Select); coding-DNA position 1199, C replaced by T.
Protein change: p.Thr400Met; replaces threonine 400 with methionine.
Molecular consequence: missense variant. On other transcripts: intron variant (3).
Genome position (GRCh38, 1-based): chr9:128,224,253, C>T. VCF-style: chr9-128224253-C-T. GRCh37 (hg19) VCF-style: chr9-130986532-C-T.
Other names: c.1199C>T, p.Thr400Met (NM_001005336.3, NM_001374269.1); c.1196+1393C>T (NM_001288738.2, NM_001288737.2, NM_001288739.2); short protein forms T400M.
Identifiers: ClinVar variation 1057782 (VCV001057782.7), dbSNP rs750618124, ClinGen allele CA5258029.
Genomic context (GRCh38, chr9:128,224,253, plus strand): 5'-CCCTCCTGGCCGGCACTGGCCTGTGACACTCTGCCCTTCTCCCGCTCCGGGCGTTCAGAA[C>T]GGGGCTGTTTACCCCAGACATGGCCTTTGAGACCATTGTGAAAAAGCAGGTGAAGAAGAT-3'
Protein context (NP_004399.2, residues 390-410): YAIKNIHGIR[Thr400Met]GLFTPDMAFE

ClinVar aggregate classification (germline): Uncertain significance (1 of 4 stars; one submission).

Conditions:
Developmental and epileptic encephalopathy, 31A. Also called: Epileptic encephalopathy, early infantile, 31; Developmental and epileptic encephalopathy, 31. Identifiers: Orphanet 2382, MedGen C4225357, MONDO:0014598, OMIM 616346.

Allele frequency attached by ClinVar (database versions not stated): gnomAD exomes 0.00001; TOPMed 0.00001; ExAC 0.00002.
gnomAD v4.1: 9 of 1,613,486 alleles (0.00056%); highest among the groups gnomAD compares: Non-Finnish European, 0.00076%; no homozygotes.

Submission:

Labcorp Genetics (formerly Invitae), Labcorp
Classification: Uncertain significance for Developmental and epileptic encephalopathy, 31A. Last evaluated: 2023-03-03. Review status: criteria provided, single submitter. Criteria: Invitae Variant Classification Sherloc (09022015). Collection method: clinical testing. Allele origin: germline.
Comment: In summary, the available evidence is currently insufficient to determine the role of this variant in disease. Therefore, it has been classified as a Variant of Uncertain Significance. An algorithm developed to predict the effect of missense changes on protein structure and function (PolyPhen-2) suggests that this variant is likely to be disruptive. ClinVar contains an entry for this variant (Variation ID: 1057782). This variant has not been reported in the literature in individuals affected with DNM1-related conditions. This variant is present in population databases (rs750618124, gnomAD 0.002%). This sequence change replaces threonine, which is neutral and polar, with methionine, which is neutral and non-polar, at codon 400 of the DNM1 protein (p.Thr400Met).